The following is an entry in ClinVar:

NM_024577.4(SH3TC2):c.3032A>T (p.Tyr1011Phe)

Gene: SH3TC2 (SH3 domain and tetratricopeptide repeats 2; minus strand). Cytogenetic location: 5q32.
Variant type: single nucleotide variant.
Coding change: c.3032A>T on transcript NM_024577.4 (MANE Select); coding-DNA position 3032, A replaced by T.
Protein change: p.Tyr1011Phe; replaces tyrosine 1011 with phenylalanine.
Molecular consequence: missense variant.
Genome position (GRCh38, 1-based): chr5:149,026,593, T>A on the plus strand (A>T on the coding strand, the complement: SH3TC2 is on the minus strand). VCF-style: chr5-149026593-T-A. GRCh37 (hg19) VCF-style: chr5-148406156-T-A.
Other names: short protein forms Y1011F.
Identifiers: ClinVar variation 4070844 (VCV004070844.1).

ClinVar aggregate classification (germline): Uncertain significance (1 of 4 stars; one submission).

gnomAD v4.1: 1 of 1,614,124 alleles (0.000062%); highest among the groups gnomAD compares: Non-Finnish European, 0.000085%; no homozygotes.

Submission:

GeneDx
Classification: Uncertain significance. Last evaluated: 2025-01-21. Review status: criteria provided, single submitter. Criteria: GeneDx Variant Classification Process June 2021. Collection method: clinical testing. Allele origin: germline. Affected: yes.
Comment: Not observed at significant frequency in large population cohorts (gnomAD); In silico analysis supports that this missense variant has a deleterious effect on protein structure/function; Has not been previously published as pathogenic or benign to our knowledge